The following is an entry in ClinVar:

ClinVar aggregate classification (germline): Uncertain significance (1 of 4 stars; one submission).

gnomAD v4.1: 74 of 1,613,996 alleles (0.0046%); highest among the groups gnomAD compares: East Asian, 0.011%; no homozygotes.

Submission:

Labcorp Genetics (formerly Invitae), Labcorp
Classification: Uncertain significance. Last evaluated: 2025-06-13. Review status: criteria provided, single submitter. Criteria: Invitae Variant Classification Sherloc (09022015). Collection method: clinical testing. Allele origin: germline.
Comment: This sequence change replaces arginine, which is basic and polar, with glutamine, which is neutral and polar, at codon 99 of the THPO protein (p.Arg99Gln). This variant is present in population databases (rs372259684, gnomAD 0.006%). This variant has not been reported in the literature in individuals affected with THPO-related conditions. ClinVar contains an entry for this variant (Variation ID: 3625814). Invitae Evidence Modeling of protein sequence and biophysical properties (such as structural, functional, and spatial information, amino acid conservation, physicochemical variation, residue mobility, and thermodynamic stability) indicates that this missense variant is not expected to disrupt THPO protein function with a negative predictive value of 80%. This variant disrupts the p.Arg99 amino acid residue in THPO. Other variant(s) that disrupt this residue have been determined to be pathogenic (PMID: 28559357, 32150607; internal data). This suggests that this residue is clinically significant, and that variants that disrupt this residue are likely to be disease-causing. In summary, the available evidence is currently insufficient to determine the role of this variant in disease. Therefore, it has been classified as a Variant of Uncertain Significance.

Literature cited by the submitters: PubMed 28559357; PubMed 32150607.

NM_000460.4(THPO):c.296G>A (p.Arg99Gln)

Gene: THPO (thrombopoietin; minus strand). Cytogenetic location: 3q27.1.
Variant type: single nucleotide variant.
Coding change: c.296G>A on transcript NM_000460.4 (MANE Select); coding-DNA position 296, G replaced by A.
Protein change: p.Arg99Gln; replaces arginine 99 with glutamine.
Molecular consequence: missense variant.
Genome position (GRCh38, 1-based): chr3:184,373,515, C>T on the plus strand (G>A on the coding strand, the complement: THPO is on the minus strand). VCF-style: chr3-184373515-C-T. GRCh37 (hg19) VCF-style: chr3-184091303-C-T.
Other names: c.296G>A, p.Arg99Gln (NM_001177597.2, NM_001177598.2, NM_001289997.1 and 5 more transcripts); c.716G>A, p.Arg239Gln (NM_001290003.1); short protein forms R239Q, R99Q.
Identifiers: ClinVar variation 3625814 (VCV003625814.2).